The following is an entry in ClinVar:

NM_000516.7(GNAS):c.-18_-16GCC[9]

Gene: GNAS (GNAS complex locus; plus strand). Cytogenetic location: 20q13.32.
Variant type: Microsatellite.
Coding change: c.-18_-16GCC[9] on transcript NM_000516.7 (MANE Select).
Molecular consequence: inframe insertion. On other transcripts: intron variant (6).
Genome position: GRCh38 VCF-style: chr20-58891706-C-CCCGCCGCCG. GRCh37 (hg19) VCF-style: chr20-57466761-C-CCCGCCGCCG.
Other names: c.-18_-16GCC[9] (NM_001077488.5, NM_001077489.4, NM_001309842.2 and 1 more transcripts); c.*43-3905CCG[9] (NM_016592.5); c.-38-3905CCG[9] (NM_001309861.2); c.*1-3905CCG[9] (NM_001077490.3); c.2069-3905CCG[9] (NM_080425.4); c.*159-3905CCG[9] (NM_001309883.1); c.-39+2354CCG[9] (NM_001309840.2); c.2069-3894_2069-3886dup9 (NM_080425.3).
Identifiers: ClinVar variation 1341633 (VCV001341633.30), dbSNP rs745433225, ClinGen allele CA9926858.

ClinVar aggregate classification (germline): Conflicting classifications of pathogenicity. Review status: criteria provided, conflicting classifications (1 of 4 stars). 3 submissions from 3 submitters: Uncertain significance (1); Benign (1). 1 of the submissions does not count toward it. Last evaluated 2026-02-01.

Conditions:
GNAS-related disorder. Identifiers: MedGen CN380105.

Submissions (3):

CeGaT Center for Human Genetics Tuebingen
Classification: Benign. Last evaluated: 2026-02-01. Review status: criteria provided, single submitter. Criteria: CeGaT Center For Human Genetics Tuebingen Variant Classification Criteria Version 2. Collection method: clinical testing. Allele origin: germline. Affected: yes. Observed: 4 variant alleles.
Comment: GNAS: BP4, BS1, BS2

GeneDx
Classification: Uncertain significance. Last evaluated: 2024-06-02. Review status: criteria provided, single submitter. Criteria: GeneDx Variant Classification Process June 2021. Collection method: clinical testing. Allele origin: germline. Affected: yes.
Comment: Identified in one family from a cohort of patients with pseudohypoparathyroidism type 1A and pseudopseudohypoparathyroidism (PMID: 31886927); Three GCC duplication in the multiple GCC repetitive region; This variant is associated with the following publications: (PMID: 31886927)

PreventionGenetics, part of Exact Sciences
Classification: Likely benign for GNAS-related condition. Last evaluated: 2019-11-05. Review status: no assertion criteria provided. Collection method: clinical testing. Allele origin: germline. Not counted in ClinVar's aggregate classification.
Comment: This variant is classified as likely benign based on ACMG/AMP sequence variant interpretation guidelines (Richards et al. 2015 PMID: 25741868, with internal and published modifications).